The following is an entry in ClinVar:

NM_001447.3(FAT2):c.6088C>T (p.Arg2030Trp)

Genes: FAT2 (FAT atypical cadherin 2; minus strand), SLC36A1 (solute carrier family 36 member 1; plus strand). Cytogenetic location: 5q33.1.
Variant type: single nucleotide variant.
Coding change: c.6088C>T on transcript NM_001447.3 (MANE Select); coding-DNA position 6088, C replaced by T.
Protein change: p.Arg2030Trp; replaces arginine 2030 with tryptophan.
Molecular consequence: missense variant.
Genome position (GRCh38, 1-based): chr5:151,545,039, G>A on the plus strand (C>T on the coding strand, the complement: FAT2 is on the minus strand). VCF-style: chr5-151545039-G-A. GRCh37 (hg19) VCF-style: chr5-150924600-G-A.
Other names: short protein forms R2030W.
Identifiers: ClinVar variation 3374872 (VCV003374872.1).
Genomic context (GRCh38, chr5:151,545,039, plus strand): 5'-GCTGAGGTGTCCGATTGTCCCTCACTTCCACTGCCAACTCATGAGTGTCCTGCTGCTCCC[G>A]GTCAAACGCCACACCTCTTGTCTGCAACACACCTGCTGACTGGACCATATGAAACATATC-3'
Protein context (NP_001438.1, residues 2020-2040): VLQTRGVAFD[Arg2030Trp]EQQDTHELAV

ClinVar aggregate classification (germline): Uncertain significance (1 of 4 stars; one submission).

gnomAD v4.1: 88 of 1,613,950 alleles (0.0055%); highest among the groups gnomAD compares: Admixed American, 0.037%; 1 homozygote.

Submission:

Women's Health and Genetics/Laboratory Corporation of America, LabCorp
Classification: Uncertain significance. Last evaluated: 2024-09-11. Review status: criteria provided, single submitter. Criteria: LabCorp Variant Classification Summary - May 2015. Collection method: clinical testing. Allele origin: germline.
Comment: Variant summary: FAT2 c.6088C>T (p.Arg2030Trp) results in a non-conservative amino acid change located in the Cadherin-like domain (IPR002126) of the encoded protein sequence. Five of five in-silico tools predict a damaging effect of the variant on protein function. The variant allele was found at a frequency of 8e-05 in 250964 control chromosomes. This frequency is not significantly higher than estimated for a pathogenic variant in FAT2 causing Spinocerebellar Ataxia 45, allowing no conclusion about variant significance. To our knowledge, no occurrence of c.6088C>T in individuals affected with Spinocerebellar Ataxia 45 and no experimental evidence demonstrating its impact on protein function have been reported. No submitters have cited clinical-significance assessments for this variant to ClinVar. Based on the evidence outlined above, the variant was classified as uncertain significance.